The following is an entry in ClinVar:

ClinVar aggregate classification (germline): Conflicting classifications of pathogenicity. Review status: criteria provided, conflicting classifications (1 of 4 stars). 3 submissions from 3 submitters: Uncertain significance (1); Likely benign (2). Last evaluated 2025-03-04.

Conditions:
Maturity-onset diabetes of the young (MODY). Also called: Maturity onset diabetes mellitus in young. Identifiers: Orphanet 552, MedGen C0342276, MONDO:0018911, HP:0004904.

Allele frequency attached by ClinVar (database versions not stated): gnomAD exomes below 0.00001 and 0.00001; TOPMed below 0.00001.
gnomAD v4.1: 3 of 1,614,140 alleles (0.00019%); highest among the groups gnomAD compares: African/African-American, 0.004%; no homozygotes.

Submissions (3):

Labcorp Genetics (formerly Invitae), Labcorp
Classification: Likely benign. Last evaluated: 2025-03-04. Review status: criteria provided, single submitter. Criteria: Invitae Variant Classification Sherloc (09022015). Collection method: clinical testing. Allele origin: germline.

Athena Diagnostics
Classification: Uncertain significance. Last evaluated: 2016-12-05. Review status: criteria provided, single submitter. Criteria: Athena Diagnostics Criteria. Collection method: clinical testing. Allele origin: germline.

Clinical Genomics, Uppaluri K&H Personalized Medicine Clinic
Classification: Likely benign for Maturity-onset diabetes of the young. Review status: criteria provided, single submitter. Criteria: K & H Uppaluri Personalized Medicine Clinic Variant Classification & Assertion Criteria_Updated V.1. Collection method: research. Allele origin: unknown. Inheritance: Autosomal dominant inheritance.
Comment: HNF1B gene mutations are associated with early onset diabetes and pancreatic atrophy. It is also associated with multiple renal manifestations including renal cysts, Tubulointerstitial disease, glomerulocystic disease, renal hypoplasia, hypomagnesemia. However no sufficient evidence is found to ascertain the role of this particular variant rs1375568430, yet.

Literature cited by the submitters: PubMed 24897035 (cited by Clinical Genomics, Uppaluri K&H Personalized Medicine Clinic); PubMed 25536396 (cited by Clinical Genomics, Uppaluri K&H Personalized Medicine Clinic); PubMed 27615128 (cited by Clinical Genomics, Uppaluri K&H Personalized Medicine Clinic); PubMed 28215227 (cited by Clinical Genomics, Uppaluri K&H Personalized Medicine Clinic); PubMed 33434175 (cited by Clinical Genomics, Uppaluri K&H Personalized Medicine Clinic); PubMed 25741167 (cited by Clinical Genomics, Uppaluri K&H Personalized Medicine Clinic); PubMed 26340261 (cited by Clinical Genomics, Uppaluri K&H Personalized Medicine Clinic); PubMed 19639018 (cited by Clinical Genomics, Uppaluri K&H Personalized Medicine Clinic).

NM_000458.4(HNF1B):c.1339+12T>C

Gene: HNF1B (HNF1 homeobox B; minus strand). Cytogenetic location: 17q12.
Variant type: single nucleotide variant.
Coding change: c.1339+12T>C on transcript NM_000458.4 (MANE Select); 12 bases into the intron after coding-DNA position 1339, T replaced by C.
Molecular consequence: intron variant.
Genome position (GRCh38, 1-based): chr17:37,704,905, A>G on the plus strand (T>C on the coding strand, the complement: HNF1B is on the minus strand). VCF-style: chr17-37704905-A-G. GRCh37 (hg19) VCF-style: chr17-36064912-A-G.
Other names: c.1261+12T>C (NM_001304286.2, NM_001165923.4).
Identifiers: ClinVar variation 447510 (VCV000447510.3), dbSNP rs1375568430, ClinGen allele CA625889946.